The following is an entry in ClinVar:

ClinVar aggregate classification (germline): Uncertain significance. Review status: criteria provided, multiple submitters, no conflicts (2 of 4 stars). 2 submissions from 2 submitters: Uncertain significance (2). Last evaluated 2025-04-08.

Conditions:
Inborn genetic diseases. Identifiers: MedGen C0950123, MeSH D030342.

gnomAD v4.1: 40 of 1,613,610 alleles (0.0025%); highest among the groups gnomAD compares: Admixed American, 0.018%; no homozygotes.

Submissions (2):

GeneDx
Classification: Uncertain significance. Last evaluated: 2025-04-08. Review status: criteria provided, single submitter. Criteria: GeneDx Variant Classification Process June 2021. Collection method: clinical testing. Allele origin: germline. Affected: yes.
Comment: In silico analysis indicates that this missense variant does not alter protein structure/function; Has not been previously published as pathogenic or benign to our knowledge

Ambry Genetics
Classification: Uncertain significance for Inborn genetic diseases. Last evaluated: 2024-05-30. Review status: criteria provided, single submitter. Criteria: Ambry Variant Classification Scheme 2023. Collection method: clinical testing. Allele origin: germline.

NM_001042646.3(TRAK1):c.1000G>A (p.Ala334Thr)

Gene: TRAK1 (trafficking kinesin protein 1; plus strand). Cytogenetic location: 3p22.1.
Variant type: single nucleotide variant.
Coding change: c.1000G>A on transcript NM_001042646.3 (MANE Select); coding-DNA position 1000, G replaced by A.
Protein change: p.Ala334Thr; replaces alanine 334 with threonine.
Molecular consequence: missense variant. On other transcripts: non-coding transcript variant (1).
Genome position (GRCh38, 1-based): chr3:42,194,828, G>A. VCF-style: chr3-42194828-G-A. GRCh37 (hg19) VCF-style: chr3-42236320-G-A.
Other names: c.1000G>A, p.Ala334Thr (NM_001265608.2, NM_001349246.2, NM_001349247.2); c.778G>A, p.Ala260Thr (NM_001265609.2, NM_001265610.1, NM_001349248.1 and 1 more transcripts); c.688G>A, p.Ala230Thr (NM_001349245.1); c.826G>A, p.Ala276Thr (NM_001410741.1, NM_014965.5); c.1000G>A (NM_001042646.2); short protein forms A276T, A230T, A260T, A334T.
Identifiers: ClinVar variation 3328448 (VCV003328448.2).